The following is an entry in ClinVar:

NM_006922.4(SCN3A):c.364A>G (p.Ile122Val)

Gene: SCN3A (sodium voltage-gated channel alpha subunit 3; minus strand). Cytogenetic location: 2q24.3.
Variant type: single nucleotide variant.
Coding change: c.364A>G on transcript NM_006922.4 (MANE Select); coding-DNA position 364, A replaced by G.
Protein change: p.Ile122Val; replaces isoleucine 122 with valine.
Molecular consequence: missense variant.
Genome position (GRCh38, 1-based): chr2:165,170,449, T>C on the plus strand (A>G on the coding strand, the complement: SCN3A is on the minus strand). VCF-style: chr2-165170449-T-C. GRCh37 (hg19) VCF-style: chr2-166026959-T-C.
Other names: c.364A>G, p.Ile122Val (NM_001081676.2, NM_001081677.2); c.364A>G (NM_006922.3); short protein forms I122V.
Identifiers: ClinVar variation 2193126 (VCV002193126.6), dbSNP rs1167468055, ClinGen allele CA349240452.

ClinVar aggregate classification (germline): Uncertain significance. Review status: criteria provided, multiple submitters, no conflicts (2 of 4 stars). 3 submissions from 3 submitters: Uncertain significance (3). Last evaluated 2025-09-11.

Conditions:
SCN3A-related disorder. Also called: SCN3A-related condition.
Inborn genetic diseases. Identifiers: MedGen C0950123, MeSH D030342.

Allele frequency attached by ClinVar (database versions not stated): gnomAD exomes below 0.00001; gnomAD 0.00001; TOPMed 0.00002.
gnomAD v4.1: 2 of 1,604,282 alleles (0.00012%); highest among the groups gnomAD compares: Admixed American, 0.0033%; no homozygotes.

Submissions (3):

Ambry Genetics
Classification: Uncertain significance for Inborn genetic diseases. Last evaluated: 2025-09-11. Review status: criteria provided, single submitter. Criteria: Ambry Variant Classification Scheme 2023. Collection method: clinical testing. Allele origin: germline.

Labcorp Genetics (formerly Invitae), Labcorp
Classification: Uncertain significance. Last evaluated: 2025-07-09. Review status: criteria provided, single submitter. Criteria: Invitae Variant Classification Sherloc (09022015). Collection method: clinical testing. Allele origin: germline.
Comment: This sequence change replaces isoleucine, which is neutral and non-polar, with valine, which is neutral and non-polar, at codon 122 of the SCN3A protein (p.Ile122Val). This variant is not present in population databases (gnomAD no frequency). This variant has not been reported in the literature in individuals affected with SCN3A-related conditions. ClinVar contains an entry for this variant (Variation ID: 2193126). Invitae Evidence Modeling of protein sequence and biophysical properties (such as structural, functional, and spatial information, amino acid conservation, physicochemical variation, residue mobility, and thermodynamic stability) indicates that this missense variant is not expected to disrupt SCN3A protein function with a negative predictive value of 95%. In summary, the available evidence is currently insufficient to determine the role of this variant in disease. Therefore, it has been classified as a Variant of Uncertain Significance.

PreventionGenetics, part of Exact Sciences
Classification: Uncertain significance for SCN3A-related condition. Last evaluated: 2023-01-05. Review status: criteria provided, single submitter. Criteria: ACMG Guidelines, 2015. Collection method: clinical testing. Allele origin: germline.
Comment: The SCN3A c.364A>G variant is predicted to result in the amino acid substitution p.Ile122Val. To our knowledge, this variant has not been reported in the literature or in a large population database, indicating this variant is rare. At this time, the clinical significance of this variant is uncertain due to the absence of conclusive functional and genetic evidence.